The following is an entry in ClinVar:

NM_016070.4(MRPS23):c.549G>A (p.Gln183=)

Gene: MRPS23 (mitochondrial ribosomal protein S23; minus strand). Cytogenetic location: 17q22.
Variant type: single nucleotide variant.
Coding change: c.549G>A on transcript NM_016070.4 (MANE Select); coding-DNA position 549, G replaced by A.
Protein change: p.Gln183=; no amino-acid change (glutamine 183 retained).
Molecular consequence: synonymous variant.
Genome position (GRCh38, 1-based): chr17:57,839,807, C>T on the plus strand (G>A on the coding strand, the complement: MRPS23 is on the minus strand). VCF-style: chr17-57839807-C-T. GRCh37 (hg19) VCF-style: chr17-55917168-C-T.
Identifiers: ClinVar variation 3239385 (VCV003239385.19), dbSNP rs781383231.

ClinVar aggregate classification (germline): Likely benign (1 of 4 stars; one submission).

Allele frequency attached by ClinVar (database versions not stated): gnomAD 0.00001.
gnomAD v4.1: 31 of 1,614,032 alleles (0.0019%); highest among the groups gnomAD compares: South Asian, 0.032%; 1 homozygote.

Submission:

CeGaT Center for Human Genetics Tuebingen
Classification: Likely benign. Last evaluated: 2024-04-01. Review status: criteria provided, single submitter. Criteria: CeGaT Center For Human Genetics Tuebingen Variant Classification Criteria Version 2. Collection method: clinical testing. Allele origin: germline. Affected: yes. Observed: 1 variant allele.
Comment: MRPS23: BP4, BP7